The following is an entry in ClinVar:

NM_001370298.3(FGD4):c.2538C>G (p.Phe846Leu)

Gene: FGD4 (FYVE, RhoGEF and PH domain containing 4; plus strand). Cytogenetic location: 12p11.21.
Variant type: single nucleotide variant.
Coding change: c.2538C>G on transcript NM_001370298.3 (MANE Select); coding-DNA position 2538, C replaced by G.
Protein change: p.Phe846Leu; replaces phenylalanine 846 with leucine.
Molecular consequence: missense variant.
Genome position (GRCh38, 1-based): chr12:32,640,359, C>G. VCF-style: chr12-32640359-C-G. GRCh37 (hg19) VCF-style: chr12-32793293-C-G.
Other names: c.2382C>G, p.Phe794Leu (NM_001304481.2); c.1095C>G, p.Phe365Leu (NM_001304484.2); c.1848C>G, p.Phe616Leu (NM_001330373.2, NM_001330374.2, NM_001384130.1); c.1575C>G, p.Phe525Leu (NM_001370297.1); c.2538C>G, p.Phe846Leu (NM_001384126.1); c.2127C>G, p.Phe709Leu (NM_001384127.1, NM_001384128.1, NM_001385118.1 and 1 more transcripts); short protein forms F794L, F846L, F365L, F616L, F709L, F525L.
Identifiers: ClinVar variation 1420940 (VCV001420940.6), dbSNP rs1336663423, ClinGen allele CA384372395.
Genomic context (GRCh38, chr12:32,640,359, plus strand): 5'-TCCACTTCTGGGCTATGTGGTGGATGAAATGCCAAGGAGCGCAGACCTGCCACACAGTTT[C>G]AAACTGACCCAGTCTAAGTCCGTGCACAGCTTTGCTGCAGACAGTGAGGAACTGAAGCAG-3'
Protein context (NP_001357227.2, residues 836-856): MPRSADLPHS[Phe846Leu]KLTQSKSVHS

ClinVar aggregate classification (germline): Uncertain significance (1 of 4 stars; one submission).

Conditions:
Charcot-Marie-Tooth disease type 4. Also called: Charcot-Marie-Tooth disease, type IV; Charcot-Marie-Tooth, Type 4. Identifiers: Orphanet 64749, MedGen C4082197, MONDO:0018995.

Allele frequency attached by ClinVar (database versions not stated): gnomAD exomes below 0.00001 and 0.00001.
gnomAD v4.1: 22 of 1,614,090 alleles (0.0014%); highest among the groups gnomAD compares: Non-Finnish European, 0.0017%; no homozygotes.

Submission:

Labcorp Genetics (formerly Invitae), Labcorp
Classification: Uncertain significance for Charcot-Marie-Tooth disease type 4. Last evaluated: 2022-07-27. Review status: criteria provided, single submitter. Criteria: Invitae Variant Classification Sherloc (09022015). Collection method: clinical testing. Allele origin: germline.
Comment: This sequence change replaces phenylalanine, which is neutral and non-polar, with leucine, which is neutral and non-polar, at codon 709 of the FGD4 protein (p.Phe709Leu). This variant is present in population databases (no rsID available, gnomAD 0.0009%). This variant has not been reported in the literature in individuals affected with FGD4-related conditions. ClinVar contains an entry for this variant (Variation ID: 1420940). Algorithms developed to predict the effect of missense changes on protein structure and function are either unavailable or do not agree on the potential impact of this missense change (SIFT: "Deleterious"; PolyPhen-2: "Probably Damaging"; Align-GVGD: "Class C15"). In summary, the available evidence is currently insufficient to determine the role of this variant in disease. Therefore, it has been classified as a Variant of Uncertain Significance.